The following is an entry in ClinVar:

NM_001039396.2(MPEG1):c.1258C>T (p.His420Tyr)

Gene: MPEG1 (macrophage expressed 1; minus strand). Cytogenetic location: 11q12.1.
Variant type: single nucleotide variant.
Coding change: c.1258C>T on transcript NM_001039396.2 (MANE Select); coding-DNA position 1258, C replaced by T.
Protein change: p.His420Tyr; replaces histidine 420 with tyrosine.
Molecular consequence: missense variant.
Genome position (GRCh38, 1-based): chr11:59,211,608, G>A on the plus strand (C>T on the coding strand, the complement: MPEG1 is on the minus strand). VCF-style: chr11-59211608-G-A. GRCh37 (hg19) VCF-style: chr11-58979081-G-A.
Other names: c.1258C>T (NM_001039396.1); short protein forms H420Y.
Identifiers: ClinVar variation 4056621 (VCV004056621.2).
Genomic context (GRCh38, chr11:59,211,608, plus strand): 5'-TGCACTTTCGATGACACTCCAGGTGGTTGTAACCCTCCTCGTGGATCTGGGATAACAGGT[G>A]CACCGGGGAGTAGCCAGAGGGGCAGGAGAAATCACCAGTGAGTGGATTCTTCTGCTCCAA-3'
Protein context (NP_001034485.1, residues 410-430): FSCPSGYSPV[His420Tyr]LLSQIHEEGY

ClinVar aggregate classification (germline): Uncertain significance. Review status: criteria provided, multiple submitters, no conflicts (2 of 4 stars). 2 submissions from 2 submitters: Uncertain significance (2). Last evaluated 2025-09-28.

Conditions:
Immunodeficiency 77. Identifiers: MedGen C5543173, MONDO:0030973, OMIM 619223.

gnomAD v4.1: 18 of 1,614,098 alleles (0.0011%); highest among the groups gnomAD compares: Admixed American, 0.005%; no homozygotes.

Submissions (2):

Ambry Genetics
Classification: Uncertain significance. Last evaluated: 2025-09-28. Review status: criteria provided, single submitter. Criteria: Ambry Variant Classification Scheme 2023. Collection method: clinical testing. Allele origin: germline.

Laboratorio de Genetica e Diagnostico Molecular, Hospital Israelita Albert Einstein
Classification: Uncertain significance for Immunodeficiency 77. Last evaluated: 2023-06-16. Review status: criteria provided, single submitter. Criteria: ACMG Guidelines, 2015. Collection method: clinical testing. Allele origin: germline. Affected: yes.
Comment: ACMG classification criteria: BP4 supporting